The following is an entry in ClinVar:

NM_000393.5(COL5A2):c.2512G>A (p.Glu838Lys)

Gene: COL5A2 (collagen type V alpha 2 chain; minus strand). Cytogenetic location: 2q32.2.
Variant type: single nucleotide variant.
Coding change: c.2512G>A on transcript NM_000393.5 (MANE Select); coding-DNA position 2512, G replaced by A.
Protein change: p.Glu838Lys; replaces glutamic acid 838 with lysine.
Molecular consequence: missense variant.
Genome position (GRCh38, 1-based): chr2:189,053,465, C>T on the plus strand (G>A on the coding strand, the complement: COL5A2 is on the minus strand). VCF-style: chr2-189053465-C-T. GRCh37 (hg19) VCF-style: chr2-189918191-C-T.
Other names: short protein forms E838K.
Identifiers: ClinVar variation 2864656 (VCV002864656.3), dbSNP rs2469263867, ClinGen allele CA349871839.

ClinVar aggregate classification (germline): Uncertain significance (1 of 4 stars; one submission).

Conditions:
Ehlers-Danlos syndrome, classic type, 1 (EDSCL1). Also called: EHLERS-DANLOS SYNDROME, GRAVIS TYPE; EHLERS-DANLOS SYNDROME, SEVERE CLASSIC TYPE; Ehlers-Danlos syndrome, type 1; Ehlers-Danlos Syndrome, Classic Type, COL5A1-Related; EDS I. Identifiers: MedGen C0268335, MONDO:0019567, OMIM 130000.

Submission:

Labcorp Genetics (formerly Invitae), Labcorp
Classification: Uncertain significance for Ehlers-Danlos syndrome, classic type, 1. Last evaluated: 2023-11-07. Review status: criteria provided, single submitter. Criteria: Invitae Variant Classification Sherloc (09022015). Collection method: clinical testing. Allele origin: germline.
Comment: This sequence change replaces glutamic acid, which is acidic and polar, with lysine, which is basic and polar, at codon 838 of the COL5A2 protein (p.Glu838Lys). This variant is not present in population databases (gnomAD no frequency). This variant has not been reported in the literature in individuals affected with COL5A2-related conditions. Advanced modeling of protein sequence and biophysical properties (such as structural, functional, and spatial information, amino acid conservation, physicochemical variation, residue mobility, and thermodynamic stability) performed at Invitae indicates that this missense variant is not expected to disrupt COL5A2 protein function with a negative predictive value of 80%. In summary, the available evidence is currently insufficient to determine the role of this variant in disease. Therefore, it has been classified as a Variant of Uncertain Significance.